The following is an entry in ClinVar:

ClinVar aggregate classification (germline): Likely benign. Review status: criteria provided, multiple submitters, no conflicts (2 of 4 stars). 2 submissions from 2 submitters: Likely benign (2). Last evaluated 2023-01-01.

Conditions:
Developmental and epileptic encephalopathy, 1 (DEE1). Also called: Epileptic encephalopathy, early infantile, 1; X-linked infantile spasms; West's syndrome; Tonic spasms with clustering, arrest of psychomotor development and hypsarrhythmia on EEG; X-Linked Infantile Spasm Syndrome; OHTAHARA SYNDROME, X-LINKED. Identifiers: MedGen C3463992, MONDO:0010632, OMIM 308350. Disease mechanism: loss of function.
Autosomal recessive spinocerebellar ataxia 12. Also called: SPINOCEREBELLAR ATAXIA WITH MENTAL RETARDATION AND EPILEPSY. Identifiers: Orphanet 284282, MedGen C3280452, MONDO:0013687, OMIM 614322.

gnomAD v4.1: 1 of 1,614,006 alleles (0.000062%); highest among the groups gnomAD compares: Non-Finnish European, 0.000085%; no homozygotes.

Submissions (2):

CeGaT Center for Human Genetics Tuebingen
Classification: Likely benign. Last evaluated: 2023-01-01. Review status: criteria provided, single submitter. Criteria: CeGaT Center For Human Genetics Tuebingen Variant Classification Criteria Version 2. Collection method: clinical testing. Allele origin: germline. Affected: yes. Observed: 1 variant allele.
Comment: WWOX: PM2:Supporting, BP4, BP7

Labcorp Genetics (formerly Invitae), Labcorp
Classification: Likely benign for Developmental and epileptic encephalopathy, 1; Autosomal recessive spinocerebellar ataxia 12. Last evaluated: 2018-11-12. Review status: criteria provided, single submitter. Criteria: Invitae Variant Classification Sherloc (09022015). Collection method: clinical testing. Allele origin: germline.

NM_016373.4(WWOX):c.759C>A (p.Ala253=)

Gene: WWOX (WW domain containing oxidoreductase; plus strand). Cytogenetic location: 16q23.1.
Variant type: single nucleotide variant.
Coding change: c.759C>A on transcript NM_016373.4 (MANE Select); coding-DNA position 759, C replaced by A.
Protein change: p.Ala253=; no amino-acid change (alanine 253 retained).
Molecular consequence: synonymous variant.
Genome position (GRCh38, 1-based): chr16:78,425,023, C>A. VCF-style: chr16-78425023-C-A. GRCh37 (hg19) VCF-style: chr16-78458920-C-A.
Other names: c.420C>A, p.Ala140= (NM_001291997.2).
Identifiers: ClinVar variation 794759 (VCV000794759.33), dbSNP rs1363794629, ClinGen allele CA496609304.